The following is an entry in ClinVar:

NM_144670.6(A2ML1):c.3740C>T (p.Ala1247Val)

Gene: A2ML1 (alpha-2-macroglobulin like 1; plus strand). Cytogenetic location: 12p13.31.
Variant type: single nucleotide variant.
Coding change: c.3740C>T on transcript NM_144670.6 (MANE Select); coding-DNA position 3740, C replaced by T.
Protein change: p.Ala1247Val; replaces alanine 1247 with valine.
Molecular consequence: missense variant.
Genome position (GRCh38, 1-based): chr12:8,867,864, C>T. VCF-style: chr12-8867864-C-T. GRCh37 (hg19) VCF-style: chr12-9020460-C-T.
Other names: c.2267C>T, p.Ala756Val (NM_001282424.3); short protein forms A1247V, A756V.
Identifiers: ClinVar variation 4055318 (VCV004055318.1).

ClinVar aggregate classification (germline): Uncertain significance (1 of 4 stars; one submission).

gnomAD v4.1: 2 of 1,614,234 alleles (0.00012%); highest among the groups gnomAD compares: Non-Finnish European, 0.00017%; no homozygotes.

Submission:

Ambry Genetics
Classification: Uncertain significance. Last evaluated: 2025-05-27. Review status: criteria provided, single submitter. Criteria: Ambry Variant Classification Scheme 2023. Collection method: clinical testing. Allele origin: germline.
Comment: The p.A1247V variant (also known as c.3740C>T), located in coding exon 30 of the A2ML1 gene, results from a C to T substitution at nucleotide position 3740. The alanine at codon 1247 is replaced by valine, an amino acid with similar properties. This amino acid position is conserved. In addition, the in silico prediction for this alteration is inconclusive. Based on the available evidence, the clinical significance of this variant remains unclear.